The following is an entry in ClinVar:

ClinVar aggregate classification (germline): Uncertain significance (1 of 4 stars; one submission).

Conditions:
Early-infantile DEE. Also called: Early infantile epileptic encephalopathy; Ohtahara syndrome; Early infantile epileptic encephalopathy with suppression bursts. Identifiers: Orphanet 1934, MedGen C0393706, MONDO:0800491.

Submission:

Labcorp Genetics (formerly Invitae), Labcorp
Classification: Uncertain significance for Early-infantile DEE. Last evaluated: 2024-06-03. Review status: criteria provided, single submitter. Criteria: Invitae Variant Classification Sherloc (09022015). Collection method: clinical testing. Allele origin: germline.
Comment: This sequence change replaces glycine, which is neutral and non-polar, with alanine, which is neutral and non-polar, at codon 348 of the SCN1A protein (p.Gly348Ala). This variant is not present in population databases (gnomAD no frequency). This variant has not been reported in the literature in individuals affected with SCN1A-related conditions. Advanced modeling of protein sequence and biophysical properties (such as structural, functional, and spatial information, amino acid conservation, physicochemical variation, residue mobility, and thermodynamic stability) performed at Invitae indicates that this missense variant is expected to disrupt SCN1A protein function with a positive predictive value of 95%. In summary, the available evidence is currently insufficient to determine the role of this variant in disease. Therefore, it has been classified as a Variant of Uncertain Significance.

NM_001165963.4(SCN1A):c.1043G>C (p.Gly348Ala)

Gene: SCN1A (sodium voltage-gated channel alpha subunit 1; minus strand). Cytogenetic location: 2q24.3.
Variant type: single nucleotide variant.
Coding change: c.1043G>C on transcript NM_001165963.4 (MANE Select); coding-DNA position 1043, G replaced by C.
Protein change: p.Gly348Ala; replaces glycine 348 with alanine.
Molecular consequence: missense variant. On other transcripts: 5 prime UTR variant (1), non-coding transcript variant (1).
Genome position (GRCh38, 1-based): chr2:166,047,754, C>G on the plus strand (G>C on the coding strand, the complement: SCN1A is on the minus strand). VCF-style: chr2-166047754-C-G. GRCh37 (hg19) VCF-style: chr2-166904264-C-G.
Other names: c.1043G>C, p.Gly348Ala (NM_001165964.3, NM_001202435.3, NM_001353948.2 and 10 more transcripts); c.-1383G>C (NM_001353961.2); short protein forms G348A.
Identifiers: ClinVar variation 3634059 (VCV003634059.2).